The following is an entry in ClinVar:

NM_000551.4(VHL):c.117C>T (p.Gly39=)

Gene: VHL (von Hippel-Lindau tumor suppressor; plus strand). Cytogenetic location: 3p25.3.
Variant type: single nucleotide variant.
Coding change: c.117C>T on transcript NM_000551.4 (MANE Select); coding-DNA position 117, C replaced by T.
Protein change: p.Gly39=; no amino-acid change (glycine 39 retained).
Molecular consequence: synonymous variant.
Genome position (GRCh38, 1-based): chr3:10,141,964, C>T. VCF-style: chr3-10141964-C-T. GRCh37 (hg19) VCF-style: chr3-10183648-C-T.
Other names: c.117C>T, p.Gly39= (NM_001354723.2, NM_198156.3).
Identifiers: ClinVar variation 383196 (VCV000383196.14), dbSNP rs1057521552, ClinGen allele CA16604418.

ClinVar aggregate classification (germline): Likely benign. Review status: criteria provided, multiple submitters, no conflicts (2 of 4 stars). 3 submissions from 3 submitters: Likely benign (3). Last evaluated 2025-05-25.

Conditions:
Von Hippel-Lindau syndrome (VHLS). Also called: Von Hippel-Lindau; VHL syndrome; von Hippel–Lindau syndrome. Identifiers: Orphanet 892, MedGen C0019562, MONDO:0008667, OMIM 193300. Disease mechanism: loss of function.
Chuvash polycythemia. Also called: POLYCYTHEMIA, VHL-DEPENDENT. Identifiers: Orphanet 238557, MedGen C1837915, MONDO:0009892, OMIM 263400.
Hereditary cancer-predisposing syndrome. Also called: Hereditary neoplastic syndrome; Tumor predisposition; Neoplastic Syndromes, Hereditary; Hereditary Cancer Syndrome. Identifiers: Orphanet 140162, MedGen C0027672, MeSH D009386, MONDO:0015356.

Submissions (3):

Labcorp Genetics (formerly Invitae), Labcorp
Classification: Likely benign for Von Hippel-Lindau syndrome; Chuvash polycythemia. Last evaluated: 2025-05-25. Review status: criteria provided, single submitter. Criteria: Invitae Variant Classification Sherloc (09022015). Collection method: clinical testing. Allele origin: germline.

Ambry Genetics
Classification: Likely benign for Hereditary cancer-predisposing syndrome. Last evaluated: 2021-05-21. Review status: criteria provided, single submitter. Criteria: Ambry Variant Classification Scheme 2023. Collection method: clinical testing. Allele origin: germline.

GeneDx
Classification: Likely benign. Last evaluated: 2016-01-20. Review status: criteria provided, single submitter. Criteria: GeneDx Variant Classification (06012015). Collection method: clinical testing. Allele origin: germline. Affected: yes.
Comment: This variant is considered likely benign or benign based on one or more of the following criteria: it is a conservative change, it occurs at a poorly conserved position in the protein, it is predicted to be benign by multiple in silico algorithms, and/or has population frequency not consistent with disease.